The following is an entry in ClinVar:

NM_144643.4(SCLT1):c.988A>T (p.Ile330Phe)

Gene: SCLT1 (sodium channel and clathrin linker 1; minus strand). Cytogenetic location: 4q28.2.
Variant type: single nucleotide variant.
Coding change: c.988A>T on transcript NM_144643.4 (MANE Select); coding-DNA position 988, A replaced by T.
Protein change: p.Ile330Phe; replaces isoleucine 330 with phenylalanine.
Molecular consequence: missense variant.
Genome position (GRCh38, 1-based): chr4:128,959,659, T>A on the plus strand (A>T on the coding strand, the complement: SCLT1 is on the minus strand). VCF-style: chr4-128959659-T-A. GRCh37 (hg19) VCF-style: chr4-129880814-T-A.
Other names: c.988A>T, p.Ile330Phe (NM_001410807.1); c.988A>T (NM_144643.2); short protein forms I330F.
Identifiers: ClinVar variation 3341934 (VCV003341934.17).

ClinVar aggregate classification (germline): Uncertain significance. Review status: criteria provided, multiple submitters, no conflicts (2 of 4 stars). 2 submissions from 2 submitters: Uncertain significance (2). Last evaluated 2025-07-16.

Submissions (2):

Ambry Genetics
Classification: Uncertain significance. Last evaluated: 2025-07-16. Review status: criteria provided, single submitter. Criteria: Ambry Variant Classification Scheme 2023. Collection method: clinical testing. Allele origin: germline.

CeGaT Center for Human Genetics Tuebingen
Classification: Uncertain significance. Last evaluated: 2024-08-01. Review status: criteria provided, single submitter. Criteria: CeGaT Center For Human Genetics Tuebingen Variant Classification Criteria Version 2. Collection method: clinical testing. Allele origin: germline. Affected: yes. Observed: 1 variant allele.
Comment: SCLT1: PM2, BP4